The following is an entry in ClinVar:

NM_013447.4(ADGRE2):c.14TCTTTCTCG[3] (p.Leu10_Ala11insValPheLeu)

Gene: ADGRE2 (adhesion G protein-coupled receptor E2; minus strand). Cytogenetic location: 19p13.12.
Variant type: Microsatellite.
Coding change: c.14TCTTTCTCG[3] on transcript NM_013447.4 (MANE Select); three copies in a row of the 9-base unit TCTTTCTCG starting at c.14; the reference has two copies in a row; one copy, 9 bases duplicated.
Protein change: p.Leu10_Ala11insValPheLeu.
Molecular consequence: inframe insertion.
Genome position (GRCh38, 1-based): chr19:14,776,726-14,776,734, CGAGAAAGA duplicated on the plus strand (TCTTTCTCG on the coding strand, the reverse complement: ADGRE2 is on the minus strand); duplicating any 9 consecutive bases within chr19:14,776,726-14,776,745 gives the same sequence; the position shown is the placement nearest the transcript's 3' end. VCF-style (leftmost placement, unchanged base first): chr19-14776725-C-CCGAGAAAGA. GRCh37 (hg19) VCF-style: chr19-14887537-C-CCGAGAAAGA.
Other names: c.14TCTTTCTCG[3], p.Leu10_Ala11insValPheLeu (NM_001271052.1, NM_152916.2, NM_152917.2).
Identifiers: ClinVar variation 2885968 (VCV002885968.3), dbSNP rs757624263, ClinGen allele CA9258357.

ClinVar aggregate classification (germline): Uncertain significance (1 of 4 stars; one submission).

Submission:

Labcorp Genetics (formerly Invitae), Labcorp
Classification: Uncertain significance. Last evaluated: 2025-02-25. Review status: criteria provided, single submitter. Criteria: Invitae Variant Classification Sherloc (09022015). Collection method: clinical testing. Allele origin: germline.
Comment: This variant, c.23_31dup, results in the insertion of 3 amino acid(s) of the ADGRE2 protein (Splice site), but otherwise preserves the integrity of the reading frame. This variant is present in population databases (rs781710896, gnomAD 0.003%). This variant has not been reported in the literature in individuals affected with ADGRE2-related conditions. Algorithms developed to predict the effect of sequence changes on RNA splicing suggest that this variant may disrupt the consensus splice site. In summary, the available evidence is currently insufficient to determine the role of this variant in disease. Therefore, it has been classified as a Variant of Uncertain Significance.